The following is an entry in ClinVar:

ClinVar aggregate classification (germline): Uncertain significance. Review status: reviewed by expert panel (3 of 4 stars). 2 submissions from 2 submitters: Uncertain significance (1). 1 of the submissions does not count toward it. Last evaluated 2024-05-28.

Conditions:
Mitochondrial disease. Also called: Mitochondrial disorder; Mitochondrial disorders. Identifiers: Orphanet 68380, MedGen C0751651, MeSH D028361, MONDO:0044970.
Inborn mitochondrial myopathy. Also called: Mitochondrial myopathy; Mitochondrial Myopathies. Identifiers: Orphanet 206966, MedGen C0162670, MONDO:0009637, HP:0003737.

Submissions (2):

ClinGen Mitochondrial Disease Nuclear and Mitochondrial  Variant Curation Expert Panel, ClinGen
Classification: Uncertain significance for Mitochondrial disease. Last evaluated: 2024-05-28. Review status: reviewed by expert panel. Criteria: clingen mito disease acmg specifications v1-1. Collection method: curation. Allele origin: germline. Inheritance: Mitochondrial inheritance.
Comment: The m.4409T>C variant in MT-TM has been reported in one individual with primary mitochondrial disease (PMID: 9633749). This individual had severe exercise intolerance, muscle atrophy, muscle weakness, chronic progressive external ophthalmoplegia (CPEO), hearing impairment, and lactic acidosis. Leg muscle MRI showed fat infiltration and muscle atrophy. Muscle biopsy showed severe dystrophic features, ragged red fibers, COX-deficient fibers, SDH strongly positive staining, centrally nucleated fibers, fibrosis, and fat infiltration. Electron microscopy showed giant mitochondria with abnormal cristae structure and crystalloid inclusions. The variant was present at 8% in blood, 77% in muscle, and was undetectable in hair. The variant was undetectable in blood from the mother and three siblings (PMID: 9633749; PM6_supporting). This variant is absent in the GenBank dataset, Helix dataset, and gnomAD v3.1.2 (PM2_supporting). MitoTIP predicts the variant is possible benign (46.5 percentile) and HmtVAR predicts the variant is pathogenic (score of 1). Single fiber testing showed higher levels of the variant in COX-negative fibers (69 ± 10%, n = 9) than in COX-positive fibers (39 ±9%, n = 10) p<0.04 (PMID: 9633749). Additional functional characterization showed disruption of the tRNA structure significantly reducing aminoacylation, failure form a stable tertiary complex with associated elongation factors preventing participation in chain elongation, and disrupted tRNA folding (PMID: 18835817; PS3_moderate). In summary, this variant meets criteria to be classified as uncertain significance for primary mitochondrial disease inherited in a mitochondrial manner. This classification was approved by the NICHD/NINDS U24 ClinGen Mitochondrial Disease Variant Curation Expert Panel on May 28, 2024. Mitochondrial DNA-specific ACMG/AMP criteria applied (PMID: 32906214): PM2_supporting, PM6_supporting, PS3_moderate.

OMIM
Classification: Pathogenic for MYOPATHY, MITOCHONDRIAL. Last evaluated: 2008-12-05. Review status: no assertion criteria provided. Collection method: literature only. Allele origin: germline. Not counted in ClinVar's aggregate classification.

Literature cited by the submitters: PubMed 18835817 (cited by ClinGen Mitochondrial Disease Nuclear and Mitochondrial  Variant Curation Expert Panel, ClinGen and OMIM); PubMed 9633749 (cited by ClinGen Mitochondrial Disease Nuclear and Mitochondrial  Variant Curation Expert Panel, ClinGen and OMIM).

NC_012920.1(MT-TM):m.4409T>C

Gene: MT-TM (mitochondrially encoded tRNA methionine; plus strand).
Variant type: single nucleotide variant.
Genome position: chrM-4409-T-C.
Other names: 4409T-C.
Identifiers: ClinVar variation 9578 (VCV000009578.2), dbSNP rs118203884, ClinGen allele CA254835.
Genomic context (GRCh38, chrMT:4,409, plus strand): 5'-CCCATCCCTGAGAATCCAAAATTCTCCGTGCCACCTATCACACCCCATCCTAAAGTAAGG[T>C]CAGCTAAATAAGCTATCGGGCCCATACCCCGAAAATGTTGGTTATACCCTTCCCGTACTA-3'